The following is an entry in ClinVar:

NC_000002.11:g.(?_63815311)_(63815405_?)del

Gene: WDPCP (WD repeat containing planar cell polarity effector; minus strand). Cytogenetic location: 2p15.
Variant type: Deletion.
Identifiers: ClinVar variation 2426235 (VCV002426235.4).

ClinVar aggregate classification (germline): Pathogenic (1 of 4 stars; one submission).

Conditions:
Bardet-Biedl syndrome (BBS). Identifiers: Orphanet 110, MedGen C0752166, MONDO:0015229.

Submission:

Labcorp Genetics (formerly Invitae), Labcorp
Classification: Pathogenic for Bardet-Biedl syndrome. Last evaluated: 2022-05-28. Review status: criteria provided, single submitter. Criteria: Invitae Variant Classification Sherloc (09022015). Collection method: clinical testing. Allele origin: germline.
Comment: For these reasons, this variant has been classified as Pathogenic. This variant has not been reported in the literature in individuals affected with WDPCP-related conditions. This variant is a gross deletion of the genomic region encompassing exon(s) 1 of the WDPCP gene, which includes the initiator codon. This deletion extends beyond the assayed region for this gene and therefore may encompass additional genes. It is expected to result in an absent or disrupted protein product. Loss-of-function variants in WDPCP are known to be pathogenic (PMID: 20671153, 25427950, 27158779).

Literature cited by the submitters: PubMed 20671153; PubMed 25427950; PubMed 27158779.